The following is an entry in ClinVar:

ClinVar aggregate classification (germline): Uncertain significance. Review status: criteria provided, multiple submitters, no conflicts (2 of 4 stars). 5 submissions from 5 submitters: Uncertain significance (4). 1 of the submissions does not count toward it. Last evaluated 2026-08-04.

Conditions:
Asphyxiating thoracic dystrophy 5 (SRTD5). Also called: SHORT-RIB THORACIC DYSPLASIA 5 WITH OR WITHOUT POLYDACTYLY; SHORT-RIB THORACIC DYSPLASIA 5 WITHOUT POLYDACTYLY. Identifiers: Orphanet 474, MedGen C3280598, MONDO:0013717, OMIM 614376.
Senior-Loken syndrome 8 (SLSN8). Identifiers: Orphanet 3156, MedGen C4225376, MONDO:0014579, OMIM 616307.
Inborn genetic diseases. Identifiers: MedGen C0950123, MeSH D030342.
WDR19-related disorder. Also called: WDR19-related disorders; WDR19-related condition. Identifiers: MedGen CN380161.
Retinal dystrophy. Also called: Inherited retinal dystrophy. Identifiers: Orphanet 71862, MedGen C0854723, MeSH D058499, MONDO:0019118, HP:0000556.

Allele frequency attached by ClinVar (database versions not stated): gnomAD exomes 0.00005 and 0.00011; ESP Exome Variant Server 0.00017; TOPMed 0.00008; 1000 Genomes Project 30x 0.00016; gnomAD 0.00003; ExAC 0.00015; 1000 Genomes Project 0.00020.
gnomAD v4.1: 75 of 1,607,136 alleles (0.0047%); highest among the groups gnomAD compares: Middle Eastern, 0.033%; no homozygotes.

Submissions (5):

Ambry Genetics
Classification: Uncertain significance for Inborn genetic diseases. Last evaluated: 2026-08-04. Review status: criteria provided, single submitter. Criteria: Ambry Variant Classification Scheme 2023. Collection method: clinical testing. Allele origin: germline.

PreventionGenetics, part of Exact Sciences
Classification: Uncertain significance for WDR19-related condition. Last evaluated: 2025-08-29. Review status: criteria provided, single submitter. Criteria: ACMG Guidelines, 2015. Collection method: clinical testing. Allele origin: germline.
Comment: The WDR19 c.1114G>A variant is predicted to result in the amino acid substitution p.Val372Ile. To our knowledge, this variant has not been reported in the literature. This variant is reported in 0.044% of alleles in individuals of South Asian descent in gnomAD. At this time, the clinical significance of this variant is uncertain due to the absence of conclusive functional and genetic evidence.

Blueprint Genetics
Classification: Uncertain significance. Last evaluated: 2024-10-14. Review status: criteria provided, single submitter. Criteria: ACMG Guidelines, 2015. Collection method: clinical testing. Allele origin: germline.

Labcorp Genetics (formerly Invitae), Labcorp
Classification: Uncertain significance for Senior-Loken syndrome 8; Asphyxiating thoracic dystrophy 5. Last evaluated: 2023-11-27. Review status: criteria provided, single submitter. Criteria: Invitae Variant Classification Sherloc (09022015). Collection method: clinical testing. Allele origin: germline.
Comment: This sequence change replaces valine, which is neutral and non-polar, with isoleucine, which is neutral and non-polar, at codon 372 of the WDR19 protein (p.Val372Ile). This variant is present in population databases (rs184326673, gnomAD 0.04%). This variant has not been reported in the literature in individuals affected with WDR19-related conditions. ClinVar contains an entry for this variant (Variation ID: 968795). Advanced modeling of protein sequence and biophysical properties (such as structural, functional, and spatial information, amino acid conservation, physicochemical variation, residue mobility, and thermodynamic stability) performed at Invitae indicates that this missense variant is not expected to disrupt WDR19 protein function with a negative predictive value of 80%. In summary, the available evidence is currently insufficient to determine the role of this variant in disease. Therefore, it has been classified as a Variant of Uncertain Significance.

Institute of Human Genetics, Univ. Regensburg, Univ. Regensburg
Classification: Uncertain significance for Retinal dystrophy. Last evaluated: 2022-01-01. Review status: no assertion criteria provided. Criteria: ACMG Guidelines, 2015. Collection method: clinical testing. Allele origin: germline. Affected: yes. Not counted in ClinVar's aggregate classification.

NM_025132.4(WDR19):c.1114G>A (p.Val372Ile)

Gene: WDR19 (WD repeat domain 19; plus strand). Cytogenetic location: 4p14.
Variant type: single nucleotide variant.
Coding change: c.1114G>A on transcript NM_025132.4 (MANE Select); coding-DNA position 1114, G replaced by A.
Protein change: p.Val372Ile; replaces valine 372 with isoleucine.
Molecular consequence: missense variant.
Genome position (GRCh38, 1-based): chr4:39,215,993, G>A. VCF-style: chr4-39215993-G-A. GRCh37 (hg19) VCF-style: chr4-39217613-G-A.
Other names: c.634G>A, p.Val212Ile (NM_001317924.2); short protein forms V212I, V372I.
Identifiers: ClinVar variation 968795 (VCV000968795.9), dbSNP rs184326673, ClinGen allele CA2891777.